The following is an entry in ClinVar:

ClinVar aggregate classification (germline): Uncertain significance (1 of 4 stars; one submission).

Conditions:
Inborn genetic diseases. Identifiers: MedGen C0950123, MeSH D030342.

Submission:

Ambry Genetics
Classification: Uncertain significance for Inborn genetic diseases. Last evaluated: 2025-09-12. Review status: criteria provided, single submitter. Criteria: Ambry Variant Classification Scheme 2023. Collection method: clinical testing. Allele origin: germline.
Comment: The p.A775T variant (also known as c.2323G>A), located in coding exon 16 of the LTBP3 gene, results from a G to A substitution at nucleotide position 2323. The alanine at codon 775 is replaced by threonine, an amino acid with similar properties. This amino acid position is conserved. In addition, this alteration is predicted to be tolerated by in silico analysis. Based on the available evidence, the clinical significance of this variant remains unclear.

NM_001130144.3(LTBP3):c.2323G>A (p.Ala775Thr)

Genes: LTBP3 (latent transforming growth factor beta binding protein 3; minus strand), LOC130006029 (ATAC-STARR-seq lymphoblastoid silent region 3532; plus strand). Cytogenetic location: 11q13.1.
Variant type: single nucleotide variant.
Coding change: c.2323G>A on transcript NM_001130144.3 (MANE Select); coding-DNA position 2323, G replaced by A.
Protein change: p.Ala775Thr; replaces alanine 775 with threonine.
Molecular consequence: missense variant.
Genome position (GRCh38, 1-based): chr11:65,546,472, C>T on the plus strand (G>A on the coding strand, the complement: LTBP3 is on the minus strand). VCF-style: chr11-65546472-C-T. GRCh37 (hg19) VCF-style: chr11-65313943-C-T.
Other names: c.1972G>A, p.Ala658Thr (NM_001164266.1); c.2323G>A, p.Ala775Thr (NM_021070.4); short protein forms A658T, A775T.
Identifiers: ClinVar variation 4101325 (VCV004101325.1).
Genomic context (GRCh38, chr11:65,546,472, plus strand): 5'-GAGGCCCGGGGCGGGGGTGCTGGCGCTCACCCAAGCAACTGCGGCCGTCGGGCGCGGGCG[C>T]GTAGCCCTGGGCACAGGTGCAGCGGAAGGAGCCCGGGAGGTTCTCGCACCAGCCAGGCGA-3'
Protein context (NP_001123616.1, residues 765-785): SFRCTCAQGY[Ala775Thr]PAPDGRSCLD